The following is an entry in ClinVar:

ClinVar aggregate classification (germline): Likely benign. Review status: criteria provided, multiple submitters, no conflicts (2 of 4 stars). 4 submissions from 4 submitters: Likely benign (3). 1 of the submissions does not count toward it. Last evaluated 2026-01-22.

Conditions:
Primary ciliary dyskinesia 32. Also called: CILIARY DYSKINESIA, PRIMARY, 32, WITHOUT SITUS INVERSUS. Identifiers: Orphanet 244, MedGen C4225311, MONDO:0014657, OMIM 616481.
RSPH3-related disorder. Also called: RSPH3-related condition.

Allele frequency attached by ClinVar (database versions not stated): 1000 Genomes Project 0.00100; 1000 Genomes Project 30x 0.00109; ExAC 0.00171; gnomAD exomes 0.00179; TOPMed 0.00183; gnomAD 0.00189 and 0.00195; ESP Exome Variant Server 0.00269.

Submissions (4):

Labcorp Genetics (formerly Invitae), Labcorp
Classification: Likely benign for Primary ciliary dyskinesia 32. Last evaluated: 2026-01-22. Review status: criteria provided, single submitter. Criteria: Invitae Variant Classification Sherloc (09022015). Collection method: clinical testing. Allele origin: germline.

Mayo Clinic Laboratories, Mayo Clinic
Classification: Likely benign. Last evaluated: 2025-04-23. Review status: criteria provided, single submitter. Criteria: ACMG Guidelines, 2015. Collection method: clinical testing. Allele origin: germline. Observed: 2 variant alleles.
Comment: BS1, BP4_moderate

Blueprint Genetics
Classification: Likely benign. Last evaluated: 2024-11-21. Review status: criteria provided, single submitter. Criteria: ACMG Guidelines, 2015. Collection method: clinical testing. Allele origin: germline.

PreventionGenetics, part of Exact Sciences
Classification: Likely benign for RSPH3-related condition. Last evaluated: 2023-05-08. Review status: no assertion criteria provided. Collection method: clinical testing. Allele origin: germline. Not counted in ClinVar's aggregate classification.
Comment: This variant is classified as likely benign based on ACMG/AMP sequence variant interpretation guidelines (Richards et al. 2015 PMID: 25741868, with internal and published modifications).

NM_031924.8(RSPH3):c.-153C>T

Gene: RSPH3 (radial spoke head 3; minus strand). Cytogenetic location: 6q25.3.
Variant type: single nucleotide variant.
Coding change: c.-153C>T on transcript NM_031924.8 (MANE Select); 153 bases upstream of the start codon, C replaced by T.
Molecular consequence: 5 prime UTR variant. On other transcripts: missense variant (1), non-coding transcript variant (1).
Genome position (GRCh38, 1-based): chr6:158,999,703, G>A on the plus strand (C>T on the coding strand, the complement: RSPH3 is on the minus strand). VCF-style: chr6-158999703-G-A. GRCh37 (hg19) VCF-style: chr6-159420735-G-A.
Other names: p.Pro92Ser; c.274C>T, p.Pro92Ser (NM_001346418.1); c.274C>T (NM_031924.5, NM_031924.6); short protein forms P92S.
Identifiers: ClinVar variation 475830 (VCV000475830.12), dbSNP rs41267755, ClinGen allele CA4076051.